The following is an entry in ClinVar:

ClinVar aggregate classification (germline): Pathogenic (1 of 4 stars; one submission).

Allele frequency attached by ClinVar (database versions not stated): gnomAD exomes below 0.00001; ExAC 0.00001.

Submission:

Labcorp Genetics (formerly Invitae), Labcorp
Classification: Pathogenic. Last evaluated: 2022-07-18. Review status: criteria provided, single submitter. Criteria: Invitae Variant Classification Sherloc (09022015). Collection method: clinical testing. Allele origin: germline.
Comment: For these reasons, this variant has been classified as Pathogenic. This variant disrupts a region of the HPS4 protein in which other variant(s) (p.Pro685Leufs*17) have been determined to be pathogenic (PMID: 28983057, 30990103). This suggests that this is a clinically significant region of the protein, and that variants that disrupt it are likely to be disease-causing. ClinVar contains an entry for this variant (Variation ID: 1451621). This variant has not been reported in the literature in individuals affected with HPS4-related conditions. This variant is present in population databases (rs769405747, gnomAD 0.003%). This sequence change creates a premature translational stop signal (p.Tyr607Leufs*32) in the HPS4 gene. While this is not anticipated to result in nonsense mediated decay, it is expected to disrupt the last 102 amino acid(s) of the HPS4 protein.

Literature cited by the submitters: PubMed 28983057; PubMed 30990103.

NM_022081.6(HPS4):c.1818_1819insC (p.Tyr607fs)

Gene: HPS4 (HPS4 biogenesis of lysosomal organelles complex 3 subunit 2; minus strand). Cytogenetic location: 22q12.1.
Variant type: Insertion.
Coding change: c.1818_1819insC on transcript NM_022081.6 (MANE Select); coding-DNA positions 1818 to 1819, C inserted.
Protein change: p.Tyr607fs; shifts the reading frame from tyrosine 607.
Molecular consequence: frameshift variant. On other transcripts: non-coding transcript variant (8), intron variant (2).
Genome position: GRCh38 VCF-style: chr22-26458472-A-AG. GRCh37 (hg19) VCF-style: chr22-26854438-A-AG.
Other names: c.1818_1819insC, p.Tyr607fs (NM_001349896.1, NM_001349898.2, NM_001349899.2 and 2 more transcripts); c.1872_1873insC, p.Tyr625fs (NM_001349900.2, NM_001349901.1); c.1803_1804insC, p.Tyr602fs (NM_152841.2); c.1714-5069_1714-5068insC (NM_001349902.1, NM_001349903.2); short protein forms Y607fs, Y625fs, Y602fs.
Identifiers: ClinVar variation 1451621 (VCV001451621.6), dbSNP rs769405747, ClinGen allele CA10163209.